The following is an entry in ClinVar:

NM_003737.4(DCHS1):c.2908G>A (p.Ala970Thr)

Gene: DCHS1 (dachsous cadherin-related 1; minus strand). Cytogenetic location: 11p15.4.
Variant type: single nucleotide variant.
Coding change: c.2908G>A on transcript NM_003737.4 (MANE Select); coding-DNA position 2908, G replaced by A.
Protein change: p.Ala970Thr; replaces alanine 970 with threonine.
Molecular consequence: missense variant.
Genome position (GRCh38, 1-based): chr11:6,632,604, C>T on the plus strand (G>A on the coding strand, the complement: DCHS1 is on the minus strand). VCF-style: chr11-6632604-C-T. GRCh37 (hg19) VCF-style: chr11-6653835-C-T.
Other names: short protein forms A970T.
Identifiers: ClinVar variation 2096867 (VCV002096867.4), dbSNP rs2493829608, ClinGen allele CA379418297.
Genomic context (GRCh38, chr11:6,632,604, plus strand): 5'-CCTGTACCACCACCCGTAGTCGAAAGTGGCTGGTGCGTGGTGGGGAGCCCCCATCCCGGG[C>T]CTCCAGCTCCAGCTCATGGGCTGGCCCTCCTGAGGGCCCCAGAGGCCTCATAAGCCGTAC-3'
Protein context (NP_003728.1, residues 960-980): GGPAHELELE[Ala970Thr]RDGGSPPRTS

ClinVar aggregate classification (germline): Uncertain significance (1 of 4 stars; one submission).

Submission:

Labcorp Genetics (formerly Invitae), Labcorp
Classification: Uncertain significance. Last evaluated: 2022-08-28. Review status: criteria provided, single submitter. Criteria: Invitae Variant Classification Sherloc (09022015). Collection method: clinical testing. Allele origin: germline.
Comment: In summary, the available evidence is currently insufficient to determine the role of this variant in disease. Therefore, it has been classified as a Variant of Uncertain Significance. Advanced modeling of protein sequence and biophysical properties (such as structural, functional, and spatial information, amino acid conservation, physicochemical variation, residue mobility, and thermodynamic stability) performed at Invitae indicates that this missense variant is expected to disrupt DCHS1 protein function. This sequence change replaces alanine, which is neutral and non-polar, with threonine, which is neutral and polar, at codon 970 of the DCHS1 protein (p.Ala970Thr). This variant is not present in population databases (gnomAD no frequency). This variant has not been reported in the literature in individuals affected with DCHS1-related conditions.